The following is an entry in ClinVar:

NM_002582.4(PARN):c.988A>G (p.Ser330Gly)

Gene: PARN (poly(A)-specific ribonuclease; minus strand). Cytogenetic location: 16p13.12.
Variant type: single nucleotide variant.
Coding change: c.988A>G on transcript NM_002582.4 (MANE Select); coding-DNA position 988, A replaced by G.
Protein change: p.Ser330Gly; replaces serine 330 with glycine.
Molecular consequence: missense variant.
Genome position (GRCh38, 1-based): chr16:14,584,766, T>C on the plus strand (A>G on the coding strand, the complement: PARN is on the minus strand). VCF-style: chr16-14584766-T-C. GRCh37 (hg19) VCF-style: chr16-14678623-T-C.
Other names: c.805A>G, p.Ser269Gly (NM_001134477.3); c.850A>G, p.Ser284Gly (NM_001242992.2); short protein forms S269G, S284G, S330G.
Identifiers: ClinVar variation 2253647 (VCV002253647.5), dbSNP rs775266698, ClinGen allele CA7912214.
Genomic context (GRCh38, chr16:14,584,766, plus strand): 5'-CAGTAATATGCAGTCGCTTTATAAAGTAGCAAATGAATAATACCTTAAAAGGTTGTGTGC[T>C]GGCCATCAATTTAGTATCCAAGAGTCTAAAAAGAATTTTTAACAAGGTAAACAAAATGTA-3'
Protein context (NP_002573.1, residues 320-340): PRLLDTKLMA[Ser330Gly]TQPFKDIINN

ClinVar aggregate classification (germline): Uncertain significance. Review status: criteria provided, multiple submitters, no conflicts (2 of 4 stars). 2 submissions from 2 submitters: Uncertain significance (2). Last evaluated 2025-09-07.

Conditions:
Inborn genetic diseases. Identifiers: MedGen C0950123, MeSH D030342.
Dyskeratosis congenita, autosomal recessive 6 (DKCB6). Identifiers: MedGen C4225356, MONDO:0014600, OMIM 616353.
Pulmonary fibrosis and/or bone marrow failure, Telomere-related, 4. Also called: PULMONARY FIBROSIS AND/OR BONE MARROW FAILURE SYNDROME, TELOMERE-RELATED, 4. Identifiers: Orphanet 2032, MedGen C4225347, MONDO:0014612, OMIM 616371.

Allele frequency attached by ClinVar (database versions not stated): gnomAD 0.00001; gnomAD exomes 0.00001; TOPMed 0.00002; ExAC 0.00001.
gnomAD v4.1: 14 of 1,570,708 alleles (0.00089%); highest among the groups gnomAD compares: Non-Finnish European, 0.0012%; no homozygotes.

Submissions (2):

Labcorp Genetics (formerly Invitae), Labcorp
Classification: Uncertain significance for Dyskeratosis congenita, autosomal recessive 6; Pulmonary fibrosis and/or bone marrow failure, Telomere-related, 4. Last evaluated: 2025-09-07. Review status: criteria provided, single submitter. Criteria: Invitae Variant Classification Sherloc (09022015). Collection method: clinical testing. Allele origin: germline.
Comment: This sequence change replaces serine, which is neutral and polar, with glycine, which is neutral and non-polar, at codon 330 of the PARN protein (p.Ser330Gly). The frequency data for this variant in the population databases is considered unreliable, as metrics indicate poor data quality at this position in the gnomAD database. This variant has not been reported in the literature in individuals affected with PARN-related conditions. ClinVar contains an entry for this variant (Variation ID: 2253647). Invitae Evidence Modeling of protein sequence and biophysical properties (such as structural, functional, and spatial information, amino acid conservation, physicochemical variation, residue mobility, and thermodynamic stability) indicates that this missense variant is not expected to disrupt PARN protein function with a negative predictive value of 80%. In summary, the available evidence is currently insufficient to determine the role of this variant in disease. Therefore, it has been classified as a Variant of Uncertain Significance.

Ambry Genetics
Classification: Uncertain significance for Inborn genetic diseases. Last evaluated: 2025-05-16. Review status: criteria provided, single submitter. Criteria: Ambry Variant Classification Scheme 2023. Collection method: clinical testing. Allele origin: germline.